The following is an entry in ClinVar:

ClinVar aggregate classification (germline): Uncertain significance (0 of 4 stars; one submission).

Conditions:
PLXNA1-related disorder. Also called: PLXNA1-related condition.

Submission:

PreventionGenetics, part of Exact Sciences
Classification: Uncertain significance for PLXNA1-related condition. Last evaluated: 2024-09-19. Review status: no assertion criteria provided. Collection method: clinical testing. Allele origin: germline.
Comment: The PLXNA1 c.3008_3010delTCT variant is predicted to result in an in-frame deletion (p.Phe1003del). To our knowledge, this variant has not been reported in the literature. This variant is reported in 0.0065% of alleles in individuals of European (Non-Finnish) descent in gnomAD. At this time, the clinical significance of this variant is uncertain due to the absence of conclusive functional and genetic evidence.

NM_032242.4(PLXNA1):c.3008_3010del (p.Phe1003del)

Genes: PLXNA1 (plexin A1; plus strand), LOC129937476 (ATAC-STARR-seq lymphoblastoid active region 20450; plus strand). Cytogenetic location: 3q21.3.
Variant type: Deletion.
Coding change: c.3008_3010del on transcript NM_032242.4 (MANE Select); coding-DNA positions 3008 to 3010, 3 bases deleted (TCT; older notation c.3008_3010delTCT).
Protein change: p.Phe1003del; deletes phenylalanine 1003.
Molecular consequence: inframe deletion.
Genome position (GRCh38, 1-based): chr3:127,015,314-127,015,316, TCT deleted; deleting any 3 consecutive bases within chr3:127,015,312-127,015,316 gives the same sequence; the c. name uses the placement nearest the transcript's 3' end. VCF-style (leftmost placement, unchanged base first): chr3-127015311-CCTT-C. GRCh37 (hg19) VCF-style: chr3-126734154-CCTT-C.
Other names: short protein forms F1003del.
Identifiers: ClinVar variation 3358153 (VCV003358153.1).